The following is an entry in ClinVar:

ClinVar aggregate classification (germline): Uncertain significance. Review status: criteria provided, multiple submitters, no conflicts (2 of 4 stars). 3 submissions from 3 submitters: Uncertain significance (3). Last evaluated 2025-06-22.

Conditions:
Early-infantile DEE. Also called: Early infantile epileptic encephalopathy; Early infantile epileptic encephalopathy with suppression bursts; Ohtahara syndrome. Identifiers: Orphanet 1934, MedGen C0393706, MONDO:0800491.
Inborn genetic diseases. Identifiers: MedGen C0950123, MeSH D030342.

Submissions (3):

Ambry Genetics
Classification: Uncertain significance for Inborn genetic diseases. Last evaluated: 2025-06-22. Review status: criteria provided, single submitter. Criteria: Ambry Variant Classification Scheme 2023. Collection method: clinical testing. Allele origin: germline.

GeneDx
Classification: Uncertain significance. Last evaluated: 2022-11-25. Review status: criteria provided, single submitter. Criteria: GeneDx Variant Classification Process June 2021. Collection method: clinical testing. Allele origin: germline. Affected: yes.
Comment: Not observed at significant frequency in large population cohorts (gnomAD); Missense variants in this gene are often considered pathogenic (HGMD); In silico analysis supports that this missense variant has a deleterious effect on protein structure/function; Has not been previously published as pathogenic or benign to our knowledge; This substitution is predicted to be within the extracellular loop between the S5 and S6 transmembrane segments of the first homologous domain

Labcorp Genetics (formerly Invitae), Labcorp
Classification: Uncertain significance for Early-infantile DEE. Last evaluated: 2022-10-17. Review status: criteria provided, single submitter. Criteria: Invitae Variant Classification Sherloc (09022015). Collection method: clinical testing. Allele origin: germline.
Comment: In summary, the available evidence is currently insufficient to determine the role of this variant in disease. Therefore, it has been classified as a Variant of Uncertain Significance. Algorithms developed to predict the effect of missense changes on protein structure and function (SIFT, PolyPhen-2, Align-GVGD) all suggest that this variant is likely to be disruptive. This variant has not been reported in the literature in individuals affected with SCN1A-related conditions. This variant is not present in population databases (gnomAD no frequency). This sequence change replaces asparagine, which is neutral and polar, with lysine, which is basic and polar, at codon 306 of the SCN1A protein (p.Asn306Lys).

NM_001165963.4(SCN1A):c.918T>G (p.Asn306Lys)

Gene: SCN1A (sodium voltage-gated channel alpha subunit 1; minus strand). Cytogenetic location: 2q24.3.
Variant type: single nucleotide variant.
Coding change: c.918T>G on transcript NM_001165963.4 (MANE Select); coding-DNA position 918, T replaced by G.
Protein change: p.Asn306Lys; replaces asparagine 306 with lysine.
Molecular consequence: missense variant. On other transcripts: 5 prime UTR variant (1), non-coding transcript variant (1).
Genome position (GRCh38, 1-based): chr2:166,051,765, A>C on the plus strand (T>G on the coding strand, the complement: SCN1A is on the minus strand). VCF-style: chr2-166051765-A-C. GRCh37 (hg19) VCF-style: chr2-166908275-A-C.
Other names: c.918T>G (NM_001165963.1); c.918T>G, p.Asn306Lys (NM_001165964.3, NM_001202435.3, NM_001353948.2 and 10 more transcripts); c.-1508T>G (NM_001353961.2); short protein forms N306K.
Identifiers: ClinVar variation 2147851 (VCV002147851.6), dbSNP rs1017574442, ClinGen allele CA349072629.
Genomic context (GRCh38, chr2:166,051,765, plus strand): 5'-ACAATAATTCTTACTTGAATCTTGAATATATGACTTCCAGTCAAACTCAAAGACAGTTTC[A>C]TTTATAAGTGTACCATTATAATTCACAGTTATATTCTTTTCTATACTATGTTCCTCCAAG-3'
Protein context (NP_001159435.1, residues 296-316): ITVNYNGTLI[Asn306Lys]ETVFEFDWKS